The following is an entry in ClinVar:

ClinVar aggregate classification (germline): Uncertain significance. Review status: criteria provided, multiple submitters, no conflicts (2 of 4 stars). 3 submissions from 3 submitters: Uncertain significance (3). Last evaluated 2024-12-25.

Conditions:
Autosomal recessive nonsyndromic hearing loss 12. Also called: DEAFNESS, AUTOSOMAL RECESSIVE 12. Identifiers: Orphanet 90636, MedGen C1832394, MONDO:0011067, OMIM 601386.

Allele frequency attached by ClinVar (database versions not stated): gnomAD 0.00001; gnomAD exomes 0.00001; ExAC 0.00002; TOPMed 0.00002.
gnomAD v4.1: 19 of 1,613,752 alleles (0.0012%); highest among the groups gnomAD compares: Non-Finnish European, 0.0014%; no homozygotes.

Submissions (3):

Laboratory of Prof. Karen Avraham, Tel Aviv University
Classification: Uncertain significance for Autosomal recessive nonsyndromic hearing loss 12. Last evaluated: 2024-12-25. Review status: criteria provided, single submitter. Criteria: ACMG Guidelines, 2015. Collection method: research. Allele origin: germline. Affected: yes. Observed: 1 variant allele.
Comment: The CDH23 c.6532A>T:p.(Ile2178Phe) variant is extremely rare and possibly deleterious.

Labcorp Genetics (formerly Invitae), Labcorp
Classification: Uncertain significance. Last evaluated: 2024-02-23. Review status: criteria provided, single submitter. Criteria: Invitae Variant Classification Sherloc (09022015). Collection method: clinical testing. Allele origin: germline.
Comment: This sequence change replaces isoleucine, which is neutral and non-polar, with phenylalanine, which is neutral and non-polar, at codon 2178 of the CDH23 protein (p.Ile2178Phe). This variant is present in population databases (rs766571386, gnomAD 0.005%). This variant has not been reported in the literature in individuals affected with CDH23-related conditions. ClinVar contains an entry for this variant (Variation ID: 2147593). Advanced modeling of protein sequence and biophysical properties (such as structural, functional, and spatial information, amino acid conservation, physicochemical variation, residue mobility, and thermodynamic stability) performed at Invitae indicates that this missense variant is not expected to disrupt CDH23 protein function with a negative predictive value of 95%. In summary, the available evidence is currently insufficient to determine the role of this variant in disease. Therefore, it has been classified as a Variant of Uncertain Significance.

Blueprint Genetics
Classification: Uncertain significance. Last evaluated: 2022-03-31. Review status: criteria provided, single submitter. Criteria: ACMG Guidelines, 2015. Collection method: clinical testing. Allele origin: germline.

NM_022124.6(CDH23):c.6532A>T (p.Ile2178Phe)

Gene: CDH23 (cadherin related 23; plus strand). Cytogenetic location: 10q22.1.
Variant type: single nucleotide variant.
Coding change: c.6532A>T on transcript NM_022124.6 (MANE Select); coding-DNA position 6532, A replaced by T.
Protein change: p.Ile2178Phe; replaces isoleucine 2178 with phenylalanine.
Molecular consequence: missense variant.
Genome position (GRCh38, 1-based): chr10:71,793,460, A>T. VCF-style: chr10-71793460-A-T. GRCh37 (hg19) VCF-style: chr10-73553217-A-T.
Other names: DFNB12; short protein forms I2178F.
Identifiers: ClinVar variation 2147593 (VCV002147593.5), dbSNP rs766571386, ClinGen allele CA5546110.